The following is an entry in ClinVar:

ClinVar aggregate classification (germline): Pathogenic. Review status: criteria provided, multiple submitters, no conflicts (2 of 4 stars). 2 submissions from 2 submitters: Pathogenic (2). Last evaluated 2023-02-27.

Conditions:
Inborn genetic diseases. Identifiers: MedGen C0950123, MeSH D030342.

Submissions (2):

Labcorp Genetics (formerly Invitae), Labcorp
Classification: Pathogenic. Last evaluated: 2023-02-27. Review status: criteria provided, single submitter. Criteria: Invitae Variant Classification Sherloc (09022015). Collection method: clinical testing. Allele origin: germline.
Comment: For these reasons, this variant has been classified as Pathogenic. This variant disrupts a region of the ARID1B protein in which other variant(s) (p.Ser2228*) have been determined to be pathogenic (PMID: 31981384). This suggests that this is a clinically significant region of the protein, and that variants that disrupt it are likely to be disease-causing. ClinVar contains an entry for this variant (Variation ID: 1752966). This variant has not been reported in the literature in individuals affected with ARID1B-related conditions. This variant is not present in population databases (gnomAD no frequency). This sequence change creates a premature translational stop signal (p.Leu2115*) in the ARID1B gene. While this is not anticipated to result in nonsense mediated decay, it is expected to disrupt the last 135 amino acid(s) of the ARID1B protein.

Ambry Genetics
Classification: Pathogenic for Inborn genetic diseases. Last evaluated: 2017-09-21. Review status: criteria provided, single submitter. Criteria: Ambry Variant Classification Scheme 2023. Collection method: clinical testing. Allele origin: germline.
Comment: The p.L2115* pathogenic mutation (also known as c.6344T>G), located in coding exon 20 of the ARID1B gene, results from a T to G substitution at nucleotide position 6344. This changes the amino acid from a leucine to a stop codon within coding exon 20. This alteration is expected to result in loss of function by premature protein truncation. As such, this alteration is interpreted as a disease-causing mutation.

Literature cited by the submitters: PubMed 31981384 (cited by Labcorp Genetics (formerly Invitae), Labcorp).

NM_001374828.1(ARID1B):c.6713T>G (p.Leu2238Ter)

Gene: ARID1B (AT-rich interaction domain 1B; plus strand). Cytogenetic location: 6q25.3.
Variant type: single nucleotide variant.
Coding change: c.6713T>G on transcript NM_001374828.1 (MANE Select); coding-DNA position 6713, T replaced by G.
Protein change: p.Leu2238Ter; replaces leucine 2238 with a stop codon.
Molecular consequence: nonsense.
Genome position (GRCh38, 1-based): chr6:157,207,485, T>G. VCF-style: chr6-157207485-T-G. GRCh37 (hg19) VCF-style: chr6-157528619-T-G.
Other names: c.6464T>G, p.Leu2155Ter (NM_001346813.1); c.4214T>G, p.Leu1405Ter (NM_001363725.2); c.6593T>G, p.Leu2198Ter (NM_001371656.1, NM_001374820.1); c.6554T>G, p.Leu2185Ter (NM_017519.3); c.6344T>G, p.Leu2115Ter (NM_020732.3); c.6131T>G, p.Leu2044Ter (NM_175863.2); short protein forms L1405*, L2044*, L2155*, L2185*, L2198*, L2115*, L2238*.
Identifiers: ClinVar variation 1752966 (VCV001752966.5), dbSNP rs2538788673, ClinGen allele CA366248896.